The following is an entry in ClinVar:

NM_004448.4(ERBB2):c.1523G>A (p.Gly508Asp)

Gene: ERBB2 (erb-b2 receptor tyrosine kinase 2; plus strand). Cytogenetic location: 17q12.
Variant type: single nucleotide variant.
Coding change: c.1523G>A on transcript NM_004448.4 (MANE Select); coding-DNA position 1523, G replaced by A.
Protein change: p.Gly508Asp; replaces glycine 508 with aspartic acid.
Molecular consequence: missense variant. On other transcripts: non-coding transcript variant (1), intron variant (1).
Genome position (GRCh38, 1-based): chr17:39,716,310, G>A. VCF-style: chr17-39716310-G-A. GRCh37 (hg19) VCF-style: chr17-37872563-G-A.
Other names: c.1523G>A, p.Gly508Asp (NM_001382792.1, NM_001382793.1, NM_001382794.1 and 11 more transcripts); c.1343G>A, p.Gly448Asp (NM_001382799.1); c.1433G>A, p.Gly478Asp (NM_001005862.3, NM_001289938.2, NM_001382782.1 and 1 more transcripts); c.1478G>A, p.Gly493Asp (NM_001289936.2); c.1640G>A, p.Gly547Asp (NM_001382784.1, NM_001382786.1); c.1598G>A, p.Gly533Asp (NM_001382787.1); c.1553G>A, p.Gly518Asp (NM_001382788.1); c.1544G>A, p.Gly515Asp (NM_001382789.1); and 4 more; short protein forms G493D, G505D, G508D, G422D, G448D, G533D, G547D, G232D.
Identifiers: ClinVar variation 2765384 (VCV002765384.3), dbSNP rs2544273023, ClinGen allele CA399292238.
Genomic context (GRCh38, chr17:39,716,310, plus strand): 5'-ACCTGGGGCCTCCCCTAAAAGTCCCCTGCGGTCCCTTCCTCCTCACTGCAGTGGGCGAGG[G>A]CCTGGCCTGCCACCAGCTGTGCGCCCGAGGGCACTGCTGGGGTCCAGGGCCCACCCAGTG-3'
Protein context (NP_004439.2, residues 498-518): NRPEDECVGE[Gly508Asp]LACHQLCARG

ClinVar aggregate classification (germline): Uncertain significance (1 of 4 stars; one submission).

Submission:

Labcorp Genetics (formerly Invitae), Labcorp
Classification: Uncertain significance. Last evaluated: 2023-10-04. Review status: criteria provided, single submitter. Criteria: Invitae Variant Classification Sherloc (09022015). Collection method: clinical testing. Allele origin: germline.
Comment: This sequence change replaces glycine, which is neutral and non-polar, with aspartic acid, which is acidic and polar, at codon 508 of the ERBB2 protein (p.Gly508Asp). This variant is not present in population databases (gnomAD no frequency). This variant has not been reported in the literature in individuals affected with ERBB2-related conditions. Advanced modeling of protein sequence and biophysical properties (such as structural, functional, and spatial information, amino acid conservation, physicochemical variation, residue mobility, and thermodynamic stability) performed at Invitae indicates that this missense variant is not expected to disrupt ERBB2 protein function. In summary, the available evidence is currently insufficient to determine the role of this variant in disease. Therefore, it has been classified as a Variant of Uncertain Significance.